The following is an entry in ClinVar:

ClinVar aggregate classification (germline): Uncertain significance (1 of 4 stars; one submission).

Submission:

Labcorp Genetics (formerly Invitae), Labcorp
Classification: Uncertain significance. Last evaluated: 2025-05-14. Review status: criteria provided, single submitter. Criteria: Invitae Variant Classification Sherloc (09022015). Collection method: clinical testing. Allele origin: germline.
Comment: This sequence change replaces alanine, which is neutral and non-polar, with serine, which is neutral and polar, at codon 506 of the PRDM13 protein (p.Ala506Ser). This variant is not present in population databases (gnomAD no frequency). This variant has not been reported in the literature in individuals affected with PRDM13-related conditions. An algorithm developed to predict the effect of missense changes on protein structure and function (PolyPhen-2) suggests that this variant is likely to be tolerated. In summary, the available evidence is currently insufficient to determine the role of this variant in disease. Therefore, it has been classified as a Variant of Uncertain Significance.

NM_021620.4(PRDM13):c.1516G>T (p.Ala506Ser)

Gene: PRDM13 (PR/SET domain 13; plus strand). Cytogenetic location: 6q16.2.
Variant type: single nucleotide variant.
Coding change: c.1516G>T on transcript NM_021620.4 (MANE Select); coding-DNA position 1516, G replaced by T.
Protein change: p.Ala506Ser; replaces alanine 506 with serine.
Molecular consequence: missense variant.
Genome position (GRCh38, 1-based): chr6:99,614,151, G>T. VCF-style: chr6-99614151-G-T. GRCh37 (hg19) VCF-style: chr6-100062027-G-T.
Other names: short protein forms A506S.
Identifiers: ClinVar variation 4809638 (VCV004809638.1).
Genomic context (GRCh38, chr6:99,614,151, plus strand): 5'-TTCGGCGGGCTGCTGAAGTATCCGGAGTCCATCTCCTACTTCAGCGGGCCTGCAGCGGCC[G>T]CCCTAAGCCCCGCCGAGCTGGGGTCGCTGGCCAGCATCGACCGAGAGATCGCCATGCACA-3'
Protein context (NP_067633.2, residues 496-516): ISYFSGPAAA[Ala506Ser]LSPAELGSLA